The following is an entry in ClinVar:

NM_001127222.2(CACNA1A):c.3989+13G>A

Genes: CACNA1A (calcium voltage-gated channel subunit alpha1 A; minus strand), LOC126862865 (CDK7 strongly-dependent group 2 enhancer GRCh37_chr19:13385818-13387017; plus strand). Cytogenetic location: 19p13.13.
Variant type: single nucleotide variant.
Coding change: c.3989+13G>A on transcript NM_001127222.2 (MANE Select); 13 bases into the intron after coding-DNA position 3989, G replaced by A.
Molecular consequence: intron variant.
Genome position (GRCh38, 1-based): chr19:13,275,837, C>T on the plus strand (G>A on the coding strand, the complement: CACNA1A is on the minus strand). VCF-style: chr19-13275837-C-T. GRCh37 (hg19) VCF-style: chr19-13386651-C-T.
Other names: c.3992+13G>A (NM_001127221.2, NM_001174080.2); c.4001+13G>A (NM_000068.4, NM_023035.3).
Identifiers: ClinVar variation 682153 (VCV000682153.9), dbSNP rs373480312, ClinGen allele CA9240136.

ClinVar aggregate classification (germline): Likely benign. Review status: criteria provided, multiple submitters, no conflicts (2 of 4 stars). 2 submissions from 2 submitters: Likely benign (2). Last evaluated 2024-12-10.

Conditions:
Developmental and epileptic encephalopathy, 42 (DEE42A). Also called: Epileptic encephalopathy, early infantile, 42; DEVELOPMENTAL AND EPILEPTIC ENCEPHALOPATHY 42A; EPILEPTIC ENCEPHALOPATHY, EARLY INFANTILE, 42A. Identifiers: MedGen C4310716, MONDO:0014917, OMIM 617106.
Episodic ataxia type 2 (EA2). Also called: ACETAZOLAMIDE-RESPONSIVE HEREDITARY PAROXYSMAL CEREBELLAR ATAXIA; ATAXIA, FAMILIAL PAROXYSMAL; CEREBELLAR ATAXIA, PAROXYSMAL, ACETAZOLAMIDE-RESPONSIVE; CEREBELLOPATHY, HEREDITARY PAROXYSMAL; EPISODIC ATAXIA, NYSTAGMUS-ASSOCIATED; ATAXIA, EPISODIC, WITH NYSTAGMUS. Identifiers: Orphanet 97, MedGen C1720416, MONDO:0007163, OMIM 108500.

Allele frequency attached by ClinVar (database versions not stated): TOPMed 0.00003.
gnomAD v4.1: 66 of 1,571,750 alleles (0.0042%); highest among the groups gnomAD compares: Non-Finnish European, 0.0046%; no homozygotes.

Submissions (2):

Labcorp Genetics (formerly Invitae), Labcorp
Classification: Likely benign for Developmental and epileptic encephalopathy, 42; Episodic ataxia type 2. Last evaluated: 2024-12-10. Review status: criteria provided, single submitter. Criteria: Invitae Variant Classification Sherloc (09022015). Collection method: clinical testing. Allele origin: germline.

GeneDx
Classification: Likely benign. Last evaluated: 2018-04-25. Review status: criteria provided, single submitter. Criteria: GeneDx Variant Classification (06012015). Collection method: clinical testing. Allele origin: germline. Affected: yes.
Comment: This variant is considered likely benign or benign based on one or more of the following criteria: it is a conservative change, it occurs at a poorly conserved position in the protein, it is predicted to be benign by multiple in silico algorithms, and/or has population frequency not consistent with disease.